The following is an entry in ClinVar:

NM_004655.4(AXIN2):c.59A>T (p.Asp20Val)

Gene: AXIN2 (axin 2; minus strand). Cytogenetic location: 17q24.1.
Variant type: single nucleotide variant.
Coding change: c.59A>T on transcript NM_004655.4 (MANE Select); coding-DNA position 59, A replaced by T.
Protein change: p.Asp20Val; replaces aspartic acid 20 with valine.
Molecular consequence: missense variant.
Genome position (GRCh38, 1-based): chr17:65,558,562, T>A on the plus strand (A>T on the coding strand, the complement: AXIN2 is on the minus strand). VCF-style: chr17-65558562-T-A. GRCh37 (hg19) VCF-style: chr17-63554680-T-A.
Other names: c.59A>T, p.Asp20Val (NM_001363813.1); short protein forms D20V.
Identifiers: ClinVar variation 1357439 (VCV001357439.8), dbSNP rs2144591817, ClinGen allele CA400682323.
Genomic context (GRCh38, chr17:65,558,562, plus strand): 5'-ACCCCTGGCTGACACGGTGGGGTCTCCCCTTCTTCCCCTGGCACTGGGGGCCGCGGGGCA[T>A]CCTCACGGAAGCTGCTGCTGGGGTCCGGGAGGCAAGTCACCAACATAGCGCTACTCATGG-3'
Protein context (NP_004646.3, residues 10-30): LPDPSSSFRE[Asp20Val]APRPPVPGEE

ClinVar aggregate classification (germline): Uncertain significance (1 of 4 stars; one submission).

Conditions:
Oligodontia-cancer predisposition syndrome. Also called: TOOTH AGENESIS-COLORECTAL CANCER SYNDROME. Identifiers: Orphanet 300576, MedGen C1837750, MONDO:0012075, OMIM 608615. Disease mechanism: loss of function.

Submission:

Labcorp Genetics (formerly Invitae), Labcorp
Classification: Uncertain significance for Oligodontia-cancer predisposition syndrome. Last evaluated: 2024-05-01. Review status: criteria provided, single submitter. Criteria: Invitae Variant Classification Sherloc (09022015). Collection method: clinical testing. Allele origin: germline.
Comment: This sequence change replaces aspartic acid, which is acidic and polar, with valine, which is neutral and non-polar, at codon 20 of the AXIN2 protein (p.Asp20Val). This variant is not present in population databases (gnomAD no frequency). This variant has not been reported in the literature in individuals affected with AXIN2-related conditions. ClinVar contains an entry for this variant (Variation ID: 1357439). Advanced modeling of protein sequence and biophysical properties (such as structural, functional, and spatial information, amino acid conservation, physicochemical variation, residue mobility, and thermodynamic stability) performed at Invitae indicates that this missense variant is expected to disrupt AXIN2 protein function with a positive predictive value of 80%. In summary, the available evidence is currently insufficient to determine the role of this variant in disease. Therefore, it has been classified as a Variant of Uncertain Significance.